The following is an entry in ClinVar:

NM_005097.4(LGI1):c.53G>A (p.Arg18Lys)

Gene: LGI1 (leucine rich glioma inactivated 1; plus strand). Cytogenetic location: 10q23.33.
Variant type: single nucleotide variant.
Coding change: c.53G>A on transcript NM_005097.4 (MANE Select); coding-DNA position 53, G replaced by A.
Protein change: p.Arg18Lys; replaces arginine 18 with lysine.
Molecular consequence: missense variant. On other transcripts: non-coding transcript variant (1).
Genome position (GRCh38, 1-based): chr10:93,758,197, G>A. VCF-style: chr10-93758197-G-A. GRCh37 (hg19) VCF-style: chr10-95517954-G-A.
Other names: c.53G>A, p.Arg18Lys (NM_001308275.2, NM_001308276.2); short protein forms R18K.
Identifiers: ClinVar variation 1747298 (VCV001747298.2), dbSNP rs749410655, ClinGen allele CA5610992.

ClinVar aggregate classification (germline): Uncertain significance (1 of 4 stars; one submission).

Conditions:
Inborn genetic diseases. Identifiers: MedGen C0950123, MeSH D030342.

Allele frequency attached by ClinVar (database versions not stated): ExAC 0.00001.
gnomAD v4.1: 3 of 1,614,184 alleles (0.00019%); highest among the groups gnomAD compares: Admixed American, 0.005%; no homozygotes.

Submission:

Ambry Genetics
Classification: Uncertain significance for Inborn genetic diseases. Last evaluated: 2017-09-30. Review status: criteria provided, single submitter. Criteria: Ambry Variant Classification Scheme 2023. Collection method: clinical testing. Allele origin: germline.
Comment: The p.R18K variant (also known as c.53G>A), located in coding exon 1 of the LGI1 gene, results from a G to A substitution at nucleotide position 53. The arginine at codon 18 is replaced by lysine, an amino acid with highly similar properties. This amino acid position is well conserved in available vertebrate species; however, lysine is the reference amino acid in other vertebrate species. In addition, this alteration is predicted to be tolerated by in silico analysis. Since supporting evidence is limited at this time, the clinical significance of this alteration remains unclear.